The following is an entry in ClinVar:

NM_000455.5(STK11):c.478C>G (p.Leu160Val)

Gene: STK11 (serine/threonine kinase 11; plus strand). Cytogenetic location: 19p13.3.
Variant type: single nucleotide variant.
Coding change: c.478C>G on transcript NM_000455.5 (MANE Select); coding-DNA position 478, C replaced by G.
Protein change: p.Leu160Val; replaces leucine 160 with valine.
Molecular consequence: missense variant. On other transcripts: non-coding transcript variant (1).
Genome position (GRCh38, 1-based): chr19:1,220,386, C>G. VCF-style: chr19-1220386-C-G. GRCh37 (hg19) VCF-style: chr19-1220385-C-G.
Other names: c.478C>G, p.Leu160Val (NM_001407255.1); short protein forms L160V.
Identifiers: ClinVar variation 2863356 (VCV002863356.4), dbSNP rs2145424153, ClinGen allele CA402948823.
Genomic context (GRCh38, chr19:1,220,386, plus strand): 5'-AGGGGCAGGGAGGCCTCGGCCCCAGGACGGGTGTGTGCTGCCCGCAGGTACTTCTGTCAG[C>G]TGATTGACGGCCTGGAGTACCTGCATAGCCAGGGCATTGTGCACAAGGACATCAAGCCGG-3'
Protein context (NP_000446.1, residues 150-170): VCQAHGYFCQ[Leu160Val]IDGLEYLHSQ

ClinVar aggregate classification (germline): Uncertain significance. Review status: criteria provided, multiple submitters, no conflicts (2 of 4 stars). 2 submissions from 2 submitters: Uncertain significance (2). Last evaluated 2025-02-28.

Conditions:
Hereditary cancer-predisposing syndrome. Also called: Hereditary neoplastic syndrome; Hereditary Cancer Syndrome; Neoplastic Syndromes, Hereditary; Tumor predisposition. Identifiers: Orphanet 140162, MedGen C0027672, MeSH D009386, MONDO:0015356.
Peutz-Jeghers syndrome (PJS). Also called: Periorificial lentiginosis syndrome; POLYPOSIS, HAMARTOMATOUS INTESTINAL; POLYPS-AND-SPOTS SYNDROME; Peutz-Jeghers polyposis. Identifiers: Orphanet 2869, MedGen C0031269, MeSH D010580, MONDO:0008280, OMIM 175200.

Submissions (2):

Ambry Genetics
Classification: Uncertain significance for Hereditary cancer-predisposing syndrome. Last evaluated: 2025-02-28. Review status: criteria provided, single submitter. Criteria: Ambry Variant Classification Scheme 2023. Collection method: clinical testing. Allele origin: germline.
Comment: The p.L160V variant (also known as c.478C>G), located in coding exon 4 of the STK11 gene, results from a C to G substitution at nucleotide position 478. The leucine at codon 160 is replaced by valine, an amino acid with highly similar properties. This amino acid position is conserved. In addition, the in silico prediction for this alteration is inconclusive. Based on the available evidence, the clinical significance of this variant remains unclear.

Labcorp Genetics (formerly Invitae), Labcorp
Classification: Uncertain significance for Peutz-Jeghers syndrome. Last evaluated: 2023-05-11. Review status: criteria provided, single submitter. Criteria: Invitae Variant Classification Sherloc (09022015). Collection method: clinical testing. Allele origin: germline.
Comment: In summary, the available evidence is currently insufficient to determine the role of this variant in disease. Therefore, it has been classified as a Variant of Uncertain Significance. Advanced modeling of protein sequence and biophysical properties (such as structural, functional, and spatial information, amino acid conservation, physicochemical variation, residue mobility, and thermodynamic stability) performed at Invitae indicates that this missense variant is expected to disrupt STK11 protein function. This variant has not been reported in the literature in individuals affected with STK11-related conditions. This variant is not present in population databases (gnomAD no frequency). This sequence change replaces leucine, which is neutral and non-polar, with valine, which is neutral and non-polar, at codon 160 of the STK11 protein (p.Leu160Val).